The following is an entry in ClinVar:

NM_016816.4(OAS1):c.413C>T (p.Ser138Leu)

Gene: OAS1 (2'-5'-oligoadenylate synthetase 1; plus strand). Cytogenetic location: 12q24.13.
Variant type: single nucleotide variant.
Coding change: c.413C>T on transcript NM_016816.4 (MANE Select); coding-DNA position 413, C replaced by T.
Protein change: p.Ser138Leu; replaces serine 138 with leucine.
Molecular consequence: missense variant. On other transcripts: non-coding transcript variant (9), intron variant (4).
Genome position (GRCh38, 1-based): chr12:112,908,768, C>T. VCF-style: chr12-112908768-C-T. GRCh37 (hg19) VCF-style: chr12-113346573-C-T.
Other names: c.413C>T, p.Ser138Leu (NM_001032409.3, NM_001320151.2, NM_001406020.1 and 6 more transcripts); c.180+1549C>T (NM_001406030.1, NM_001406029.1, NM_001406027.1 and 1 more transcripts); short protein forms S138L.
Identifiers: ClinVar variation 4070777 (VCV004070777.1).

ClinVar aggregate classification (germline): Uncertain significance (1 of 4 stars; one submission).

gnomAD v4.1: 16 of 1,610,952 alleles (0.00099%); highest among the groups gnomAD compares: East Asian, 0.0022%; no homozygotes.

Submission:

GeneDx
Classification: Uncertain significance. Last evaluated: 2025-01-19. Review status: criteria provided, single submitter. Criteria: GeneDx Variant Classification Process June 2021. Collection method: clinical testing. Allele origin: germline. Affected: yes.
Comment: In silico analysis supports that this missense variant has a deleterious effect on protein structure/function; Has not been previously published as pathogenic or benign to our knowledge